The following is an entry in ClinVar:

NM_000179.3(MSH6):c.3172+5G>A

Gene: MSH6 (mutS homolog 6; plus strand). Cytogenetic location: 2p16.3.
Variant type: single nucleotide variant.
Coding change: c.3172+5G>A on transcript NM_000179.3 (MANE Select); 5 bases into the intron after coding-DNA position 3172, G replaced by A.
Molecular consequence: intron variant.
Genome position (GRCh38, 1-based): chr2:47,801,160, G>A. VCF-style: chr2-47801160-G-A. GRCh37 (hg19) VCF-style: chr2-48028299-G-A.
Other names: c.2266+5G>A (NM_001281493.2, NM_001281494.2); c.2782+5G>A (NM_001281492.2).
Identifiers: ClinVar variation 1728444 (VCV001728444.3), dbSNP rs876659857, ClinGen allele CA2580066860.

ClinVar aggregate classification (germline): Uncertain significance (1 of 4 stars; one submission).

Conditions:
Hereditary cancer-predisposing syndrome. Also called: Tumor predisposition; Hereditary Cancer Syndrome; Hereditary neoplastic syndrome; Neoplastic Syndromes, Hereditary. Identifiers: Orphanet 140162, MedGen C0027672, MeSH D009386, MONDO:0015356.

Submission:

Ambry Genetics
Classification: Uncertain significance for Hereditary cancer-predisposing syndrome. Last evaluated: 2026-02-13. Review status: criteria provided, single submitter. Criteria: Ambry Variant Classification Scheme 2023. Collection method: clinical testing. Allele origin: germline.
Comment: The c.3172+5G>A intronic variant results from a G to A substitution 5 nucleotides after coding exon 4 in the MSH6 gene. This nucleotide position is highly conserved in available vertebrate species. In silico splice site analysis predicts that this alteration will weaken the native splice donor site. Based on the available evidence, the clinical significance of this variant remains unclear.